The following is an entry in ClinVar:

ClinVar aggregate classification (germline): Conflicting classifications of pathogenicity. Review status: criteria provided, conflicting classifications (1 of 4 stars). 3 submissions from 3 submitters: Likely pathogenic (2); Uncertain significance (1). Last evaluated 2026-02-08.

Conditions:
Very long chain acyl-CoA dehydrogenase deficiency (ACADVLD). Also called: VLCAD Deficiency; Very Long-Chain Acyl-Coenzyme A Dehydrogenase Deficiency. Identifiers: Orphanet 26793, MedGen C3887523, MONDO:0008723, OMIM 201475.

Submissions (3):

Laboratorio de Genetica e Diagnostico Molecular, Hospital Israelita Albert Einstein
Classification: Uncertain significance for Very long chain acyl-CoA dehydrogenase deficiency. Last evaluated: 2026-02-08. Review status: criteria provided, single submitter. Criteria: ACMG Guidelines, 2015. Collection method: clinical testing. Allele origin: germline. Affected: yes.
Comment: ACMG classification criteria: PVS1 strong, PM2 supporting

Labcorp Genetics (formerly Invitae), Labcorp
Classification: Likely pathogenic for Very long chain acyl-CoA dehydrogenase deficiency. Last evaluated: 2025-08-11. Review status: criteria provided, single submitter. Criteria: Invitae Variant Classification Sherloc (09022015). Collection method: clinical testing. Allele origin: germline.
Comment: This sequence change affects an acceptor splice site in intron 2 of the ACADVL gene. It is expected to disrupt RNA splicing. Variants that disrupt the donor or acceptor splice site typically lead to a loss of protein function (PMID: 16199547), and loss-of-function variants in ACADVL are known to be pathogenic (PMID: 9973285, 11590124). This variant is not present in population databases (gnomAD no frequency). This variant has not been reported in the literature in individuals affected with ACADVL-related conditions. ClinVar contains an entry for this variant (Variation ID: 2108685). Algorithms developed to predict the effect of sequence changes on RNA splicing suggest that this variant may disrupt the consensus splice site. In summary, the currently available evidence indicates that the variant is pathogenic, but additional data are needed to prove that conclusively. Therefore, this variant has been classified as Likely Pathogenic.

Baylor Genetics
Classification: Likely pathogenic for Very long chain acyl-CoA dehydrogenase deficiency. Last evaluated: 2024-03-05. Review status: criteria provided, single submitter. Criteria: ACMG Guidelines, 2015. Collection method: clinical testing. Allele origin: unknown.

Literature cited by the submitters: PubMed 16199547 (cited by Labcorp Genetics (formerly Invitae), Labcorp); PubMed 9973285 (cited by Labcorp Genetics (formerly Invitae), Labcorp); PubMed 11590124 (cited by Labcorp Genetics (formerly Invitae), Labcorp).

NM_000018.4(ACADVL):c.139-1G>C

Gene: ACADVL (acyl-CoA dehydrogenase very long chain; plus strand). Cytogenetic location: 17p13.1.
Variant type: single nucleotide variant.
Coding change: c.139-1G>C on transcript NM_000018.4 (MANE Select); the canonical splice acceptor site of the intron before coding-DNA position 139, G replaced by C.
Molecular consequence: splice acceptor variant. On other transcripts: intron variant (1).
Genome position (GRCh38, 1-based): chr17:7,220,463, G>C. VCF-style: chr17-7220463-G-C. GRCh37 (hg19) VCF-style: chr17-7123782-G-C.
Other names: c.208-1G>C (NM_001270447.2); c.-90-1G>C (NM_001270448.2); c.139-141G>C (NM_001033859.3).
Identifiers: ClinVar variation 2108685 (VCV002108685.6), dbSNP rs1597518019, ClinGen allele CA397722169.
Genomic context (GRCh38, chr17:7,220,463, plus strand): 5'-GTTCTCCCCTTGACACAGCGGAAGTCCCTTCCCTGAACTTGCTAACCGTCTCTTTTCCCA[G>C]CTGGCTCTGGACAAGTCAGATTCCCACCCCTCTGACGCTCTGACCAGGAAAAAACCGGCC-3'